The following is an entry in ClinVar:

ClinVar aggregate classification (germline): Likely pathogenic (1 of 4 stars; one submission).

Submission:

Greenwood Genetic Center Diagnostic Laboratories, Greenwood Genetic Center
Classification: Likely pathogenic. Last evaluated: 2020-11-23. Review status: criteria provided, single submitter. Criteria: ACMG Guidelines, 2015. Collection method: clinical testing. Allele origin: germline. Affected: yes.
Comment: PVS1, PM2

NM_020436.5(SALL4):c.2078del (p.Val693fs)

Gene: SALL4 (spalt like transcription factor 4; minus strand). Cytogenetic location: 20q13.2.
Variant type: Deletion.
Coding change: c.2078del on transcript NM_020436.5 (MANE Select); coding-DNA position 2078, one base deleted (T; older notation c.2078delT).
Protein change: p.Val693fs; shifts the reading frame from valine 693.
Molecular consequence: frameshift variant. On other transcripts: intron variant (1).
Genome position (GRCh38, 1-based): chr20:51,790,405, A deleted on the plus strand (T on the coding strand, the reverse complement: SALL4 is on the minus strand). VCF-style (leftmost placement, unchanged base first): chr20-51790404-TA-T. GRCh37 (hg19) VCF-style: chr20-50406943-TA-T.
Other names: c.1150+928del (NM_001318031.2); short protein forms V693fs.
Identifiers: ClinVar variation 1331526 (VCV001331526.4), dbSNP rs2122962179, ClinGen allele CA2573054887.